The following is an entry in ClinVar:

NM_003906.5(MCM3AP):c.2007C>A (p.His669Gln)

Gene: MCM3AP (minichromosome maintenance complex component 3 associated protein; minus strand). Cytogenetic location: 21q22.3.
Variant type: single nucleotide variant.
Coding change: c.2007C>A on transcript NM_003906.5 (MANE Select); coding-DNA position 2007, C replaced by A.
Protein change: p.His669Gln; replaces histidine 669 with glutamine.
Molecular consequence: missense variant.
Genome position (GRCh38, 1-based): chr21:46,273,577, G>T on the plus strand (C>A on the coding strand, the complement: MCM3AP is on the minus strand). VCF-style: chr21-46273577-G-T. GRCh37 (hg19) VCF-style: chr21-47693491-G-T.
Other names: short protein forms H669Q.
Identifiers: ClinVar variation 1371810 (VCV001371810.6), dbSNP rs749582425, ClinGen allele CA410525896.

ClinVar aggregate classification (germline): Uncertain significance (1 of 4 stars; one submission).

Submission:

Labcorp Genetics (formerly Invitae), Labcorp
Classification: Uncertain significance. Last evaluated: 2021-08-02. Review status: criteria provided, single submitter. Criteria: Invitae Variant Classification Sherloc (09022015). Collection method: clinical testing. Allele origin: germline.
Comment: In summary, the available evidence is currently insufficient to determine the role of this variant in disease. Therefore, it has been classified as a Variant of Uncertain Significance. Algorithms developed to predict the effect of missense changes on protein structure and function are either unavailable or do not agree on the potential impact of this missense change (SIFT: "Deleterious"; PolyPhen-2: "Probably Damaging"; Align-GVGD: "Class C15"). This variant has not been reported in the literature in individuals affected with MCM3AP-related conditions. This variant is not present in population databases (ExAC no frequency). This sequence change replaces histidine with glutamine at codon 669 of the MCM3AP protein (p.His669Gln). The histidine residue is highly conserved and there is a small physicochemical difference between histidine and glutamine.